The following is an entry in ClinVar:

ClinVar aggregate classification (germline): Uncertain significance (1 of 4 stars; one submission).

Allele frequency attached by ClinVar (database versions not stated): gnomAD exomes below 0.00001.

Submission:

GeneDx
Classification: Uncertain significance. Last evaluated: 2026-09-24. Review status: criteria provided, single submitter. Criteria: GeneDx Variant Classification Process June 2021. Collection method: clinical testing. Allele origin: germline.
Comment: Not observed at significant frequency in large population cohorts (gnomAD); In silico analysis supports that this missense variant has a deleterious effect on protein structure/function; Has not been previously published as pathogenic or benign to our knowledge

NM_018122.5(DARS2):c.662G>A (p.Gly221Glu)

Gene: DARS2 (aspartyl-tRNA synthetase 2, mitochondrial; plus strand). Cytogenetic location: 1q25.1.
Variant type: single nucleotide variant.
Coding change: c.662G>A on transcript NM_018122.5 (MANE Select); coding-DNA position 662, G replaced by A.
Protein change: p.Gly221Glu; replaces glycine 221 with glutamic acid.
Molecular consequence: missense variant.
Genome position (GRCh38, 1-based): chr1:173,834,518, G>A. VCF-style: chr1-173834518-G-A. GRCh37 (hg19) VCF-style: chr1-173803656-G-A.
Other names: c.662G>A, p.Gly221Glu (NM_001365212.1, NM_001365213.2); short protein forms G221E.
Identifiers: ClinVar variation 1304576 (VCV001304576.3), dbSNP rs2102642217, ClinGen allele CA343760987.
Genomic context (GRCh38, chr1:173,834,518, plus strand): 5'-TTTCTCTCTTTTTAGGGTTTGTGGATATAGAAACCCCCACATTGTTTAAGAGGACCCCAG[G>A]GGTATGTATATTCCTTCAATCAGTCTATTAATAATGTCCTATTAGTTATAAAGCTAGACT-3'
Protein context (NP_060592.2, residues 211-231): ETPTLFKRTP[Gly221Glu]GAKEFLVPSR